The following is an entry in ClinVar:

NC_000002.11:g.(?_32361612)_(32367035_?)dup

Gene: SPAST (spastin; plus strand). Cytogenetic location: 2p22.3.
Variant type: Duplication.
Identifiers: ClinVar variation 3247322 (VCV003247322.1).

ClinVar aggregate classification (germline): Uncertain significance (1 of 4 stars; one submission).

Conditions:
Hereditary spastic paraplegia 4. Also called: Spastic paraplegia 4, autosomal dominant; Familial spastic paraplegia autosomal dominant 2; Spastic Paraplegia 4. Identifiers: Orphanet 100985, MedGen C1866855, MONDO:0008438, OMIM 182601.

Submission:

Labcorp Genetics (formerly Invitae), Labcorp
Classification: Uncertain significance for Hereditary spastic paraplegia 4. Last evaluated: 2023-11-27. Review status: criteria provided, single submitter. Criteria: Invitae Variant Classification Sherloc (09022015). Collection method: clinical testing. Allele origin: unknown.
Comment: This variant results in a copy number gain of the genomic region encompassing exon(s) 10-13 of the SPAST gene. While the exact position of this variant cannot be determined from the data, sub-genic copy number gains are generally in tandem (PMID: 25640679). This variant is predicted to be in-frame, and likely preserves the integrity of the reading frame. This variant has not been reported in the literature in individuals affected with SPAST-related conditions. Experimental studies and prediction algorithms are not available or were not evaluated, and the functional significance of this variant is currently unknown. In summary, the available evidence is currently insufficient to determine the role of this variant in disease. Therefore, it has been classified as a Variant of Uncertain Significance.

Literature cited by the submitters: PubMed 25640679.